The following is an entry in ClinVar:

ClinVar aggregate classification (germline): Uncertain significance (1 of 4 stars; one submission).

gnomAD v4.1: 2 of 1,614,104 alleles (0.00012%); highest among the groups gnomAD compares: South Asian, 0.0022%; no homozygotes.

Submission:

Labcorp Genetics (formerly Invitae), Labcorp
Classification: Uncertain significance. Last evaluated: 2025-03-07. Review status: criteria provided, single submitter. Criteria: Invitae Variant Classification Sherloc (09022015). Collection method: clinical testing. Allele origin: germline.
Comment: This sequence change replaces alanine, which is neutral and non-polar, with aspartic acid, which is acidic and polar, at codon 186 of the KANK4 protein (p.Ala186Asp). This variant is present in population databases (rs778663710, gnomAD 0.007%). This variant has not been reported in the literature in individuals affected with KANK4-related conditions. An algorithm developed to predict the effect of missense changes on protein structure and function (PolyPhen-2) suggests that this variant is likely to be tolerated. Algorithms developed to predict the effect of sequence changes on RNA splicing suggest that this variant may create or strengthen a splice site. In summary, the available evidence is currently insufficient to determine the role of this variant in disease. Therefore, it has been classified as a Variant of Uncertain Significance.

NM_181712.5(KANK4):c.557C>A (p.Ala186Asp)

Gene: KANK4 (KN motif and ankyrin repeat domains 4; minus strand). Cytogenetic location: 1p31.3.
Variant type: single nucleotide variant.
Coding change: c.557C>A on transcript NM_181712.5 (MANE Select); coding-DNA position 557, C replaced by A.
Protein change: p.Ala186Asp; replaces alanine 186 with aspartic acid.
Molecular consequence: missense variant. On other transcripts: intron variant (1).
Genome position (GRCh38, 1-based): chr1:62,274,547, G>T on the plus strand (C>A on the coding strand, the complement: KANK4 is on the minus strand). VCF-style: chr1-62274547-G-T. GRCh37 (hg19) VCF-style: chr1-62740219-G-T.
Other names: c.17-2958C>A (NM_001320269.2); short protein forms A186D.
Identifiers: ClinVar variation 4761640 (VCV004761640.1).